The following is an entry in ClinVar:

ClinVar aggregate classification (germline): Uncertain significance. Review status: criteria provided, multiple submitters, no conflicts (2 of 4 stars). 2 submissions from 2 submitters: Uncertain significance (2). Last evaluated 2025-08-18.

Conditions:
PARN-related disorder. Also called: PARN-related disorders; PARN-related condition.
Inborn genetic diseases. Identifiers: MedGen C0950123, MeSH D030342.

gnomAD v4.1: 3 of 1,579,388 alleles (0.00019%); highest among the groups gnomAD compares: African/African-American, 0.0027%; no homozygotes.

Submissions (2):

PreventionGenetics, part of Exact Sciences
Classification: Uncertain significance for PARN-related condition. Last evaluated: 2025-08-18. Review status: criteria provided, single submitter. Criteria: ACMG Guidelines, 2015. Collection method: clinical testing. Allele origin: germline.
Comment: The PARN c.710G>T variant is predicted to result in the amino acid substitution p.Arg237Leu. To our knowledge, this variant has not been reported in the literature. This variant is reported in 0.0011% of alleles in individuals of European (Non-Finnish) descent in gnomAD. At this time, the clinical significance of this variant is uncertain due to the absence of conclusive functional and genetic evidence.

Ambry Genetics
Classification: Uncertain significance for Inborn genetic diseases. Last evaluated: 2022-08-08. Review status: criteria provided, single submitter. Criteria: Ambry Variant Classification Scheme 2023. Collection method: clinical testing. Allele origin: germline.

NM_002582.4(PARN):c.710G>T (p.Arg237Leu)

Gene: PARN (poly(A)-specific ribonuclease; minus strand). Cytogenetic location: 16p13.12.
Variant type: single nucleotide variant.
Coding change: c.710G>T on transcript NM_002582.4 (MANE Select); coding-DNA position 710, G replaced by T.
Protein change: p.Arg237Leu; replaces arginine 237 with leucine.
Molecular consequence: missense variant.
Genome position (GRCh38, 1-based): chr16:14,604,219, C>A on the plus strand (G>T on the coding strand, the complement: PARN is on the minus strand). VCF-style: chr16-14604219-C-A. GRCh37 (hg19) VCF-style: chr16-14698076-C-A.
Other names: c.527G>T, p.Arg176Leu (NM_001134477.3); c.572G>T, p.Arg191Leu (NM_001242992.2); short protein forms R176L, R191L, R237L.
Identifiers: ClinVar variation 2306072 (VCV002306072.3), dbSNP rs376992177, ClinGen allele CA7912315.